The following is an entry in ClinVar:

ClinVar aggregate classification (germline): Uncertain significance (1 of 4 stars; one submission).

Conditions:
Joubert syndrome. Also called: CEREBELLOPARENCHYMAL DISORDER IV; JOUBERT-BOLTSHAUSER SYNDROME; Familial aplasia of the vermis. Identifiers: Orphanet 475, MedGen C5979921, MONDO:0018772.

gnomAD v4.1: 1 of 1,549,592 alleles (0.000065%); highest among the groups gnomAD compares: Non-Finnish European, 0.000087%; no homozygotes.

Submission:

Labcorp Genetics (formerly Invitae), Labcorp
Classification: Uncertain significance for Joubert syndrome. Last evaluated: 2024-08-14. Review status: criteria provided, single submitter. Criteria: Invitae Variant Classification Sherloc (09022015). Collection method: clinical testing. Allele origin: germline.
Comment: This sequence change replaces glutamic acid, which is acidic and polar, with glycine, which is neutral and non-polar, at codon 434 of the INPP5E protein (p.Glu434Gly). This variant is not present in population databases (gnomAD no frequency). This variant has not been reported in the literature in individuals affected with INPP5E-related conditions. Invitae Evidence Modeling of protein sequence and biophysical properties (such as structural, functional, and spatial information, amino acid conservation, physicochemical variation, residue mobility, and thermodynamic stability) indicates that this missense variant is expected to disrupt INPP5E protein function with a positive predictive value of 80%. In summary, the available evidence is currently insufficient to determine the role of this variant in disease. Therefore, it has been classified as a Variant of Uncertain Significance.

NM_019892.6(INPP5E):c.1301A>G (p.Glu434Gly)

Gene: INPP5E (inositol polyphosphate-5-phosphatase E; minus strand). Cytogenetic location: 9q34.3.
Variant type: single nucleotide variant.
Coding change: c.1301A>G on transcript NM_019892.6 (MANE Select); coding-DNA position 1301, A replaced by G.
Protein change: p.Glu434Gly; replaces glutamic acid 434 with glycine.
Molecular consequence: missense variant.
Genome position (GRCh38, 1-based): chr9:136,432,565, T>C on the plus strand (A>G on the coding strand, the complement: INPP5E is on the minus strand). VCF-style: chr9-136432565-T-C. GRCh37 (hg19) VCF-style: chr9-139327017-T-C.
Other names: c.1298A>G, p.Glu433Gly (NM_001318502.2); short protein forms E434G, E433G.
Identifiers: ClinVar variation 3705449 (VCV003705449.2).
Genomic context (GRCh38, chr9:136,432,565, plus strand): 5'-TCGGGCACATTTCTGGGCAGGACCAGGGCTTGTACAGTCCTGGTGTAGTCCAGCAGCCGC[T>C]CCGCCACCTTCCCGTCACCTGCTGTGGGAACAGAAATGGGGTAGGGACCACAGGGTTCCG-3'
Protein context (NP_063945.2, residues 424-444): HFTSGDGKVA[Glu434Gly]RLLDYTRTVQ